The following is an entry in ClinVar:

ClinVar aggregate classification (germline): Uncertain significance. Review status: criteria provided, multiple submitters, no conflicts (2 of 4 stars). 2 submissions from 2 submitters: Uncertain significance (2). Last evaluated 2025-01-23.

Conditions:
Inborn genetic diseases. Identifiers: MedGen C0950123, MeSH D030342.
Glutamate formiminotransferase deficiency. Also called: Formiminoglutamic aciduria; Arakawa syndrome 1. Identifiers: Orphanet 51208, MedGen C0268609, MONDO:0009240, OMIM 229100.

Allele frequency attached by ClinVar (database versions not stated): TOPMed 0.00006; gnomAD 0.00007.
gnomAD v4.1: 120 of 1,562,894 alleles (0.0077%); highest among the groups gnomAD compares: Middle Eastern, 0.017%; 1 homozygote.

Submissions (2):

Ambry Genetics
Classification: Uncertain significance for Inborn genetic diseases. Last evaluated: 2025-01-23. Review status: criteria provided, single submitter. Criteria: Ambry Variant Classification Scheme 2023. Collection method: clinical testing. Allele origin: germline.

Labcorp Genetics (formerly Invitae), Labcorp
Classification: Uncertain significance for Glutamate formiminotransferase deficiency. Last evaluated: 2023-11-17. Review status: criteria provided, single submitter. Criteria: Invitae Variant Classification Sherloc (09022015). Collection method: clinical testing. Allele origin: germline.
Comment: This sequence change replaces alanine, which is neutral and non-polar, with threonine, which is neutral and polar, at codon 108 of the FTCD protein (p.Ala108Thr). This variant is present in population databases (rs761108350, gnomAD 0.01%). This variant has not been reported in the literature in individuals affected with FTCD-related conditions. ClinVar contains an entry for this variant (Variation ID: 2468884). Advanced modeling of protein sequence and biophysical properties (such as structural, functional, and spatial information, amino acid conservation, physicochemical variation, residue mobility, and thermodynamic stability) performed at Invitae indicates that this missense variant is expected to disrupt FTCD protein function with a positive predictive value of 80%. In summary, the available evidence is currently insufficient to determine the role of this variant in disease. Therefore, it has been classified as a Variant of Uncertain Significance.

NM_206965.2(FTCD):c.322G>A (p.Ala108Thr)

Gene: FTCD (formimidoyltransferase cyclodeaminase; minus strand). Cytogenetic location: 21q22.3.
Variant type: single nucleotide variant.
Coding change: c.322G>A on transcript NM_206965.2 (MANE Select); coding-DNA position 322, G replaced by A.
Protein change: p.Ala108Thr; replaces alanine 108 with threonine.
Molecular consequence: missense variant.
Genome position (GRCh38, 1-based): chr21:46,152,952, C>T on the plus strand (G>A on the coding strand, the complement: FTCD is on the minus strand). VCF-style: chr21-46152952-C-T. GRCh37 (hg19) VCF-style: chr21-47572866-C-T.
Other names: c.322G>A, p.Ala108Thr (NM_001320412.2, NM_006657.3); short protein forms A108T.
Identifiers: ClinVar variation 2468884 (VCV002468884.5), dbSNP rs761108350, ClinGen allele CA10073973.
Genomic context (GRCh38, chr21:46,152,952, plus strand): 5'-GGGGGGCACGCTCACCTGGCACGTCCAGCTCCTCTGCCAGCCTCTGGCCAAAGGCCTGGG[C>T]GCAGAGCACACACTCATCCACGCTGACGCCCCTCACGGGGATGAAGGGGCAGACGTCTAG-3'
Protein context (NP_996848.1, residues 98-118): GVSVDECVLC[Ala108Thr]QAFGQRLAEE